The following is an entry in ClinVar:

NC_000007.14:g.74043883_74043897del

Gene: ELN (elastin; plus strand). Cytogenetic location: 7q11.23.
Variant type: Deletion.
Genome position: GRCh38 VCF-style: chr7-74043875-ACAGGTGTGGGGCTGC-A. GRCh37 (hg19) VCF-style: chr7-73458205-ACAGGTGTGGGGCTGC-A.
Identifiers: ClinVar variation 2903500 (VCV002903500.3), ClinGen allele CA2739266462.

ClinVar aggregate classification (germline): Uncertain significance (1 of 4 stars; one submission).

Conditions:
Supravalvar aortic stenosis (SVAS). Also called: Supravalvar aortic stenosis, Eisenberg type. Identifiers: Orphanet 3193, MedGen C0003499, MONDO:0008504, OMIM 185500, HP:0004381.

Submission:

Labcorp Genetics (formerly Invitae), Labcorp
Classification: Uncertain significance for Supravalvar aortic stenosis. Last evaluated: 2022-11-16. Review status: criteria provided, single submitter. Criteria: Invitae Variant Classification Sherloc (09022015). Collection method: clinical testing. Allele origin: germline.
Comment: In summary, the available evidence is currently insufficient to determine the role of this variant in disease. Therefore, it has been classified as a Variant of Uncertain Significance. This variant, c.432_446del, results in the deletion of 5 amino acid(s) of the ELN protein (p.Gly145_Val149del), but otherwise preserves the integrity of the reading frame. This variant is not present in population databases (gnomAD no frequency). This variant has not been reported in the literature in individuals affected with ELN-related conditions. Experimental studies and prediction algorithms are not available or were not evaluated, and the functional significance of this variant is currently unknown. Algorithms developed to predict the effect of sequence changes on RNA splicing suggest that this variant may disrupt the consensus splice site.